The following is an entry in ClinVar:

NM_001346754.2(PIGW):c.758T>C (p.Leu253Ser)

Genes: MYO19 (myosin XIX; minus strand), PIGW (phosphatidylinositol glycan anchor biosynthesis class W; plus strand). Cytogenetic location: 17q12.
Variant type: single nucleotide variant.
Coding change: c.758T>C on transcript NM_001346754.2 (MANE Select); coding-DNA position 758, T replaced by C.
Protein change: p.Leu253Ser; replaces leucine 253 with serine.
Molecular consequence: missense variant.
Genome position (GRCh38, 1-based): chr17:36,537,859, T>C. VCF-style: chr17-36537859-T-C. GRCh37 (hg19) VCF-style: chr17-34893708-T-C.
Other names: p.Leu253Ser; c.758T>C, p.Leu253Ser (NM_001346755.2, NM_178517.5); short protein forms L253S.
Identifiers: ClinVar variation 3380484 (VCV003380484.1).

ClinVar aggregate classification (germline): Uncertain significance (1 of 4 stars; one submission).

gnomAD v4.1: 1 of 1,614,160 alleles (0.000062%); highest among the groups gnomAD compares: Non-Finnish European, 0.000085%; no homozygotes.

Submission:

Mayo Clinic Laboratories, Mayo Clinic
Classification: Uncertain significance. Last evaluated: 2024-08-14. Review status: criteria provided, single submitter. Criteria: ACMG Guidelines, 2015. Collection method: clinical testing. Allele origin: germline. Observed: 1 variant allele.
Comment: PM2